The following is an entry in ClinVar:

NM_001079668.3(NKX2-1):c.645C>G (p.Tyr215Ter)

Genes: NKX2-1 (NK2 homeobox 1; minus strand), SFTA3 (surfactant associated 3; minus strand). Cytogenetic location: 14q13.3.
Variant type: single nucleotide variant.
Coding change: c.645C>G on transcript NM_001079668.3 (MANE Select); coding-DNA position 645, C replaced by G.
Protein change: p.Tyr215Ter; replaces tyrosine 215 with a stop codon.
Molecular consequence: nonsense.
Genome position (GRCh38, 1-based): chr14:36,517,839, G>C on the plus strand (C>G on the coding strand, the complement: NKX2-1 is on the minus strand). VCF-style: chr14-36517839-G-C. GRCh37 (hg19) VCF-style: chr14-36987044-G-C.
Other names: c.555C>G, p.Tyr185Ter (NM_003317.4); short protein forms Y215*, Y185*.
Identifiers: ClinVar variation 561065 (VCV000561065.2), dbSNP rs1566615444, ClinGen allele CA389459358.
Genomic context (GRCh38, chr14:36,517,839, plus strand): 5'-GACCTGCGTGGGCGTCAGGTGGATCATGCTGGCCAGGTGCTCGCGCTCCGGCGCCGACAG[G>C]TACTTCTGTTGCTTGAAGCGTCGCTCCAGCTCGTACACCTGCGCCTGCGAGAAGAGCACC-3'

ClinVar aggregate classification (germline): Pathogenic (1 of 4 stars; one submission).

Conditions:
Brain-lung-thyroid syndrome. Also called: Choreoathetosis, Congenital Hypothyroidism, and Neonatal Respiratory Distress Syndrome (Brain-Lung-Thyroid Syndrome); CHOREOATHETOSIS AND CONGENITAL HYPOTHYROIDISM WITH PULMONARY DYSFUNCTION; Choreoathetosis, congenital hypothyroidism, and neonatal respiratory distress. Identifiers: Orphanet 209905, MedGen C1970269, MONDO:0012593, OMIM 610978.

Submission:

Baylor Genetics
Classification: Pathogenic for Brain-lung-thyroid syndrome. Last evaluated: 2017-09-01. Review status: criteria provided, single submitter. Criteria: ACMG Guidelines, 2015. Collection method: clinical testing. Allele origin: de novo. Inheritance: Autosomal dominant inheritance. Affected: yes.

Literature cited by the submitters: PubMed 25326635.